The following is an entry in ClinVar:

NM_001371596.2(MFSD8):c.409G>A (p.Val137Ile)

Gene: MFSD8 (major facilitator superfamily domain containing 8; minus strand). Cytogenetic location: 4q28.2.
Variant type: single nucleotide variant.
Coding change: c.409G>A on transcript NM_001371596.2 (MANE Select); coding-DNA position 409, G replaced by A.
Protein change: p.Val137Ile; replaces valine 137 with isoleucine.
Molecular consequence: missense variant.
Genome position (GRCh38, 1-based): chr4:127,943,782, C>T on the plus strand (G>A on the coding strand, the complement: MFSD8 is on the minus strand). VCF-style: chr4-127943782-C-T. GRCh37 (hg19) VCF-style: chr4-128864937-C-T.
Other names: p.Val137Ile; c.409G>A, p.Val137Ile (NM_001363520.3, NM_001363521.3, NM_001410766.1 and 5 more transcripts); c.274G>A, p.Val92Ile (NM_001410765.1, NM_001371590.2, NM_001371595.1); c.409G>A (NM_152778.3); short protein forms V137I, V92I.
Identifiers: ClinVar variation 642911 (VCV000642911.11), dbSNP rs146479250, ClinGen allele CA3077488.
Genomic context (GRCh38, chr4:127,943,782, plus strand): 5'-ACACAACCAAACATATACATACAACCTTACCTGCTCCAATTCCCAACAATCCACGAGCAA[C>T]CAGCATGTAGTATTTATTATGAGAAGCTGGGATGTGGAGATATGCATAGAGGCAGTTGGC-3'
Protein context (NP_001358525.1, residues 127-147): PASHNKYYML[Val137Ile]ARGLLGIGAG

ClinVar aggregate classification (germline): Conflicting classifications of pathogenicity. Review status: criteria provided, conflicting classifications (1 of 4 stars). 6 submissions from 6 submitters: Uncertain significance (4); Likely benign (1). 1 of the submissions does not count toward it. Last evaluated 2026-08-16.

Conditions:
MFSD8-related disorder. Also called: MFSD8-related condition.
Neuronal ceroid lipofuscinosis 7 (CLN7). Also called: MFSD8-Related Neuronal Ceroid-Lipofuscinosis. Identifiers: Orphanet 168491, Orphanet 228366, MedGen C1838571, MONDO:0012588, OMIM 610951.
Late-infantile neuronal ceroid lipofuscinosis. Also called: Jansky-Bielschowsky disease. Identifiers: MedGen C0022340, MONDO:0015674.
Inborn genetic diseases. Identifiers: MedGen C0950123, MeSH D030342.

Allele frequency attached by ClinVar (database versions not stated): gnomAD exomes 0.00001 and 0.00004; ExAC 0.00002; gnomAD 0.00006; TOPMed 0.00006; ESP Exome Variant Server 0.00008.
gnomAD v4.1: 28 of 1,613,956 alleles (0.0017%); highest among the groups gnomAD compares: African/African-American, 0.031%; no homozygotes.

Submissions (6):

Ambry Genetics
Classification: Likely benign for Inborn genetic diseases. Last evaluated: 2026-08-16. Review status: criteria provided, single submitter. Criteria: Ambry Variant Classification Scheme 2023. Collection method: clinical testing. Allele origin: germline.

PreventionGenetics, part of Exact Sciences
Classification: Uncertain significance for MFSD8-related condition. Last evaluated: 2025-02-09. Review status: criteria provided, single submitter. Criteria: ACMG Guidelines, 2015. Collection method: clinical testing. Allele origin: germline.
Comment: The MFSD8 c.409G>A variant is predicted to result in the amino acid substitution p.Val137Ile. To our knowledge, this variant has not been reported in the literature. This variant is reported in 0.036% of alleles in individuals of African descent in gnomAD. At this time, the clinical significance of this variant is uncertain due to the absence of conclusive functional and genetic evidence.

GeneDx
Classification: Uncertain significance. Last evaluated: 2024-06-04. Review status: criteria provided, single submitter. Criteria: GeneDx Variant Classification Process June 2021. Collection method: clinical testing. Allele origin: germline. Affected: yes.
Comment: In silico analysis indicates that this missense variant does not alter protein structure/function; Has not been previously published as pathogenic or benign to our knowledge; This variant is associated with the following publications: (PMID: 26934580)

Labcorp Genetics (formerly Invitae), Labcorp
Classification: Uncertain significance for Neuronal ceroid lipofuscinosis 7. Last evaluated: 2022-10-17. Review status: criteria provided, single submitter. Criteria: Invitae Variant Classification Sherloc (09022015). Collection method: clinical testing. Allele origin: germline.
Comment: This sequence change replaces valine, which is neutral and non-polar, with isoleucine, which is neutral and non-polar, at codon 137 of the MFSD8 protein (p.Val137Ile). This variant is present in population databases (rs146479250, gnomAD 0.04%). This variant has not been reported in the literature in individuals affected with MFSD8-related conditions. ClinVar contains an entry for this variant (Variation ID: 642911). Advanced modeling of protein sequence and biophysical properties (such as structural, functional, and spatial information, amino acid conservation, physicochemical variation, residue mobility, and thermodynamic stability) performed at Invitae indicates that this missense variant is not expected to disrupt MFSD8 protein function. In summary, the available evidence is currently insufficient to determine the role of this variant in disease. Therefore, it has been classified as a Variant of Uncertain Significance.

Mayo Clinic Laboratories, Mayo Clinic
Classification: Uncertain significance. Last evaluated: 2022-08-04. Review status: criteria provided, single submitter. Criteria: ACMG Guidelines, 2015. Collection method: clinical testing. Allele origin: germline. Observed: 1 variant allele.
Comment: BP4, PM2

Natera, Inc.
Classification: Uncertain significance for Late-infantile neuronal ceroid lipofuscinosis. Last evaluated: 2020-10-30. Review status: no assertion criteria provided. Collection method: clinical testing. Allele origin: germline. Not counted in ClinVar's aggregate classification.